The following is an entry in ClinVar:

NM_001201550.3(CFHR4):c.953T>C (p.Ile318Thr)

Gene: CFHR4 (complement factor H related 4; plus strand). Cytogenetic location: 1q31.3.
Variant type: single nucleotide variant.
Coding change: c.953T>C on transcript NM_001201550.3 (MANE Select); coding-DNA position 953, T replaced by C.
Protein change: p.Ile318Thr; replaces isoleucine 318 with threonine.
Molecular consequence: missense variant. On other transcripts: intron variant (1).
Genome position (GRCh38, 1-based): chr1:196,910,434, T>C. VCF-style: chr1-196910434-T-C. GRCh37 (hg19) VCF-style: chr1-196879564-T-C.
Other names: p.Ile317Thr; c.950T>C, p.Ile317Thr (NM_001201551.2); c.257-2306T>C (NM_006684.5); c.953T>C (NM_001201550.2); short protein forms I317T, I318T.
Identifiers: ClinVar variation 3380395 (VCV003380395.2).
Genomic context (GRCh38, chr1:196,910,434, plus strand): 5'-CTTACTCCTATTACTGTGACCAAAATTTTGTGACTCCTTCAGGAAGTTACTGGGATTACA[T>C]TCACTGCACACAAGATGGGTGGTTGCCAACAGTCCCATGCCTCAGTAAGCAAACCTCTTT-3'
Protein context (NP_001188479.1, residues 308-328): VTPSGSYWDY[Ile318Thr]HCTQDGWLPT

ClinVar aggregate classification (germline): Uncertain significance. Review status: criteria provided, multiple submitters, no conflicts (2 of 4 stars). 2 submissions from 2 submitters: Uncertain significance (2). Last evaluated 2024-10-21.

gnomAD v4.1: 32 of 1,612,728 alleles (0.002%); highest among the groups gnomAD compares: East Asian, 0.0045%; no homozygotes.

Submissions (2):

Ambry Genetics
Classification: Uncertain significance. Last evaluated: 2024-10-21. Review status: criteria provided, single submitter. Criteria: Ambry Variant Classification Scheme 2023. Collection method: clinical testing. Allele origin: germline.

Mayo Clinic Laboratories, Mayo Clinic
Classification: Uncertain significance. Last evaluated: 2024-08-21. Review status: criteria provided, single submitter. Criteria: ACMG Guidelines, 2015. Collection method: clinical testing. Allele origin: germline. Observed: 1 variant allele.
Comment: BP4